The following is an entry in ClinVar:

NM_001039591.3(USP9X):c.7366T>C (p.Phe2456Leu)

Gene: USP9X (ubiquitin specific peptidase 9 X-linked; plus strand). Cytogenetic location: Xp11.4.
Variant type: single nucleotide variant.
Coding change: c.7366T>C on transcript NM_001039591.3 (MANE Select); coding-DNA position 7366, T replaced by C.
Protein change: p.Phe2456Leu; replaces phenylalanine 2456 with leucine.
Molecular consequence: missense variant.
Genome position (GRCh38, 1-based): chrX:41,229,714, T>C. VCF-style: chrX-41229714-T-C. GRCh37 (hg19) VCF-style: chrX-41088967-T-C.
Other names: c.7366T>C, p.Phe2456Leu (NM_001039590.3); short protein forms F2456L.
Identifiers: ClinVar variation 1028978 (VCV001028978.5), dbSNP rs2063343838, ClinGen allele CA412753515.
Genomic context (GRCh38, chrX:41,229,714, plus strand): 5'-CAGTACACTTACAACAATTGGTCTCCCCCAGTGCAAAGCAATGAAACGTCCAATGGTTAT[T>C]TCTTGGAGAGATCACATAGTGCTAGGATGACACTTGCAAAAGCTTGTGAACTCTGTCCAG-3'
Protein context (NP_001034680.2, residues 2446-2466): VQSNETSNGY[Phe2456Leu]LERSHSARMT

ClinVar aggregate classification (germline): Uncertain significance. Review status: criteria provided, multiple submitters, no conflicts (2 of 4 stars). 2 submissions from 2 submitters: Uncertain significance (2). Last evaluated 2025-03-31.

Conditions:
Intellectual developmental disorder, X-linked 99. Also called: Intellectual disability, X-linked 99. Identifiers: Orphanet 777, MedGen C3806746, MONDO:0010487, OMIM 300919.

Submissions (2):

GeneDx
Classification: Uncertain significance. Last evaluated: 2025-03-31. Review status: criteria provided, single submitter. Criteria: GeneDx Variant Classification Process June 2021. Collection method: clinical testing. Allele origin: germline. Affected: yes.
Comment: In silico analysis indicates that this missense variant does not alter protein structure/function; Not observed at significant frequency in large population cohorts (gnomAD); Has not been previously published as pathogenic or benign to our knowledge

Baylor Genetics
Classification: Uncertain significance for Intellectual developmental disorder, X-linked 99. Last evaluated: 2020-11-04. Review status: criteria provided, single submitter. Criteria: ACMG Guidelines, 2015. Collection method: clinical testing. Allele origin: unknown. Affected: yes.
Comment: This variant was determined to be of uncertain significance according to ACMG Guidelines, 2015 [PMID:25741868].